The following is an entry in ClinVar:

NM_014633.5(CTR9):c.2533C>A (p.Gln845Lys)

Gene: CTR9 (CTR9 component of Paf1/RNA polymerase II complex; plus strand). Cytogenetic location: 11p15.4.
Variant type: single nucleotide variant.
Coding change: c.2533C>A on transcript NM_014633.5 (MANE Select); coding-DNA position 2533, C replaced by A.
Protein change: p.Gln845Lys; replaces glutamine 845 with lysine.
Molecular consequence: missense variant.
Genome position (GRCh38, 1-based): chr11:10,772,608, C>A. VCF-style: chr11-10772608-C-A. GRCh37 (hg19) VCF-style: chr11-10794155-C-A.
Other names: c.2461C>A, p.Gln821Lys (NM_001346279.2); short protein forms Q821K, Q845K.
Identifiers: ClinVar variation 2867604 (VCV002867604.3), dbSNP rs2539389650, ClinGen allele CA379676121.

ClinVar aggregate classification (germline): Uncertain significance (1 of 4 stars; one submission).

Submission:

Labcorp Genetics (formerly Invitae), Labcorp
Classification: Uncertain significance. Last evaluated: 2023-06-17. Review status: criteria provided, single submitter. Criteria: Invitae Variant Classification Sherloc (09022015). Collection method: clinical testing. Allele origin: germline.
Comment: This sequence change replaces glutamine, which is neutral and polar, with lysine, which is basic and polar, at codon 845 of the CTR9 protein (p.Gln845Lys). This variant is not present in population databases (gnomAD no frequency). This variant has not been reported in the literature in individuals affected with CTR9-related conditions. An algorithm developed to predict the effect of missense changes on protein structure and function (PolyPhen-2) suggests that this variant is likely to be disruptive. In summary, the available evidence is currently insufficient to determine the role of this variant in disease. Therefore, it has been classified as a Variant of Uncertain Significance.